The following is an entry in ClinVar:

ClinVar aggregate classification (germline): Uncertain significance. Review status: criteria provided, multiple submitters, no conflicts (2 of 4 stars). 2 submissions from 2 submitters: Uncertain significance (2). Last evaluated 2026-03-18.

Conditions:
Pyruvate carboxylase deficiency. Also called: ATAXIA WITH LACTIC ACIDOSIS II; LEIGH NECROTIZING ENCEPHALOPATHY DUE TO PYRUVATE CARBOXYLASE DEFICIENCY; LEIGH SYNDROME DUE TO PYRUVATE CARBOXYLASE DEFICIENCY; PC DEFICIENCY; Pyruvate Carboxylase Deficiency Disease. Identifiers: Orphanet 3008, MedGen C0034341, MONDO:0009949, OMIM 266150.

Allele frequency attached by ClinVar (database versions not stated): gnomAD exomes below 0.00001; TOPMed below 0.00001.
gnomAD v4.1: 4 of 1,613,984 alleles (0.00025%); highest among the groups gnomAD compares: Non-Finnish European, 0.00034%; no homozygotes.

Submissions (2):

GeneDx
Classification: Uncertain significance. Last evaluated: 2026-03-18. Review status: criteria provided, single submitter. Criteria: GeneDx Variant Classification Process June 2021. Collection method: clinical testing. Allele origin: germline.
Comment: Not observed at significant frequency in large population cohorts (gnomAD); In silico analysis supports that this missense variant has a deleterious effect on protein structure/function; Has not been previously published as pathogenic or benign to our knowledge

Labcorp Genetics (formerly Invitae), Labcorp
Classification: Uncertain significance for Pyruvate carboxylase deficiency. Last evaluated: 2022-08-06. Review status: criteria provided, single submitter. Criteria: Invitae Variant Classification Sherloc (09022015). Collection method: clinical testing. Allele origin: germline.
Comment: This sequence change replaces arginine, which is basic and polar, with tryptophan, which is neutral and slightly polar, at codon 558 of the PC protein (p.Arg558Trp). This variant is not present in population databases (gnomAD no frequency). This variant has not been reported in the literature in individuals affected with PC-related conditions. Algorithms developed to predict the effect of missense changes on protein structure and function are either unavailable or do not agree on the potential impact of this missense change (SIFT: "Deleterious"; PolyPhen-2: "Probably Damaging"; Align-GVGD: "Class C0"). In summary, the available evidence is currently insufficient to determine the role of this variant in disease. Therefore, it has been classified as a Variant of Uncertain Significance.

NM_001040716.2(PC):c.1672C>T (p.Arg558Trp)

Gene: PC (pyruvate carboxylase; minus strand). Cytogenetic location: 11q13.2.
Variant type: single nucleotide variant.
Coding change: c.1672C>T on transcript NM_001040716.2 (MANE Select); coding-DNA position 1672, C replaced by T.
Protein change: p.Arg558Trp; replaces arginine 558 with tryptophan.
Molecular consequence: missense variant.
Genome position (GRCh38, 1-based): chr11:66,852,592, G>A on the plus strand (C>T on the coding strand, the complement: PC is on the minus strand). VCF-style: chr11-66852592-G-A. GRCh37 (hg19) VCF-style: chr11-66620063-G-A.
Other names: c.1672C>T, p.Arg558Trp (NM_000920.4, NM_022172.3); c.1672C>T (NM_000920.3); short protein forms R558W.
Identifiers: ClinVar variation 2190712 (VCV002190712.2), dbSNP rs752901945, ClinGen allele CA224123753.